The following is an entry in ClinVar:

ClinVar aggregate classification (germline): Benign. Review status: criteria provided, multiple submitters, no conflicts (2 of 4 stars). 3 submissions from 3 submitters: Benign (3). Last evaluated 2026-02-03.

Allele frequency attached by ClinVar (database versions not stated): ExAC 0.64469; gnomAD exomes 0.64673; ESP Exome Variant Server 0.65231; TOPMed 0.66197; gnomAD 0.66467 and 0.66525; 1000 Genomes Project 0.69549; 1000 Genomes Project 30x 0.69863.
gnomAD v4.1: 1,026,934 of 1,612,288 alleles (64%); highest among the groups gnomAD compares: East Asian, 85%; 329,260 homozygotes.

Submissions (3):

Labcorp Genetics (formerly Invitae), Labcorp
Classification: Benign. Last evaluated: 2026-02-03. Review status: criteria provided, single submitter. Criteria: Invitae Variant Classification Sherloc (09022015). Collection method: clinical testing. Allele origin: germline.

GeneDx
Classification: Benign. Last evaluated: 2016-01-08. Review status: criteria provided, single submitter. Criteria: GeneDx Variant Classification (06012015). Collection method: clinical testing. Allele origin: germline. Affected: yes.
Comment: This variant is considered likely benign or benign based on one or more of the following criteria: it is a conservative change, it occurs at a poorly conserved position in the protein, it is predicted to be benign by multiple in silico algorithms, and/or has population frequency not consistent with disease.

Breakthrough Genomics
Classification: Benign. Review status: criteria provided, single submitter. Criteria: ACMG Guidelines, 2015. Collection method: not provided. Allele origin: germline. Inheritance: Autosomal recessive inheritance. Affected: yes.

NM_002291.3(LAMB1):c.3065A>G (p.Gln1022Arg)

Gene: LAMB1 (laminin subunit beta 1; minus strand). Cytogenetic location: 7q31.1.
Variant type: single nucleotide variant.
Coding change: c.3065A>G on transcript NM_002291.3 (MANE Select); coding-DNA position 3065, A replaced by G.
Protein change: p.Gln1022Arg; replaces glutamine 1022 with arginine.
Molecular consequence: missense variant.
Genome position (GRCh38, 1-based): chr7:107,953,544, T>C on the plus strand (A>G on the coding strand, the complement: LAMB1 is on the minus strand). VCF-style: chr7-107953544-T-C. GRCh37 (hg19) VCF-style: chr7-107593989-T-C.
Other names: short protein forms Q1022R.
Identifiers: ClinVar variation 380837 (VCV000380837.11), dbSNP rs20556, ClinGen allele CA4435449.